The following is an entry in ClinVar:

ClinVar aggregate classification (germline): Uncertain significance (1 of 4 stars; one submission).

Submission:

GeneDx
Classification: Uncertain significance. Last evaluated: 2025-05-14. Review status: criteria provided, single submitter. Criteria: GeneDx Variant Classification Process June 2021. Collection method: clinical testing. Allele origin: germline. Affected: yes.
Comment: Not observed at significant frequency in large population cohorts (gnomAD); In silico analysis suggests that this missense variant does not alter protein structure/function; Has not been previously published as pathogenic or benign to our knowledge

NM_020738.4(KIDINS220):c.3254A>T (p.His1085Leu)

Gene: KIDINS220 (kinase D interacting substrate 220; minus strand). Cytogenetic location: 2p25.1.
Variant type: single nucleotide variant.
Coding change: c.3254A>T on transcript NM_020738.4 (MANE Select); coding-DNA position 3254, A replaced by T.
Protein change: p.His1085Leu; replaces histidine 1085 with leucine.
Molecular consequence: missense variant. On other transcripts: non-coding transcript variant (2).
Genome position (GRCh38, 1-based): chr2:8,750,272, T>A on the plus strand (A>T on the coding strand, the complement: KIDINS220 is on the minus strand). VCF-style: chr2-8750272-T-A. GRCh37 (hg19) VCF-style: chr2-8890402-T-A.
Other names: c.3257A>T, p.His1086Leu (NM_001348729.2, NM_001348731.2, NM_001348734.2 and 2 more transcripts); c.3254A>T, p.His1085Leu (NM_001348732.2, NM_001348735.2, NM_001348738.2 and 3 more transcripts); c.3128A>T, p.His1043Leu (NM_001348736.2); short protein forms H1043L, H1085L, H1086L.
Identifiers: ClinVar variation 4529585 (VCV004529585.1).
Genomic context (GRCh38, chr2:8,750,272, plus strand): 5'-GTGGAAGAGCACACGGATGGGGGCTGGCTGTACCCTGATGGCGCCCTAGGAGGACCCTCA[T>A]GTAGAGGGAGCGGGGGGTACGCCAGTCCTCCAATACTGATCTGCTCTCTGGCAGCACGAA-3'
Protein context (NP_065789.1, residues 1075-1095): GGLAYPPLPL[His1085Leu]EGPPRAPSGY